The following is an entry in ClinVar:

ClinVar aggregate classification (germline): Uncertain significance (1 of 4 stars; one submission).

gnomAD v4.1: 1 of 1,614,070 alleles (0.000062%); no homozygotes.

Submission:

GeneDx
Classification: Uncertain significance. Last evaluated: 2025-08-17. Review status: criteria provided, single submitter. Criteria: GeneDx Variant Classification Process June 2021. Collection method: clinical testing. Allele origin: germline. Affected: yes.
Comment: Not observed at significant frequency in large population cohorts (gnomAD); In silico analysis supports that this missense variant has a deleterious effect on protein structure/function; Has not been previously published as pathogenic or benign to our knowledge

NM_000466.3(PEX1):c.484C>T (p.Pro162Ser)

Gene: PEX1 (peroxisomal biogenesis factor 1; minus strand). Cytogenetic location: 7q21.2.
Variant type: single nucleotide variant.
Coding change: c.484C>T on transcript NM_000466.3 (MANE Select); coding-DNA position 484, C replaced by T.
Protein change: p.Pro162Ser; replaces proline 162 with serine.
Molecular consequence: missense variant. On other transcripts: 5 prime UTR variant (1).
Genome position (GRCh38, 1-based): chr7:92,518,031, G>A on the plus strand (C>T on the coding strand, the complement: PEX1 is on the minus strand). VCF-style: chr7-92518031-G-A. GRCh37 (hg19) VCF-style: chr7-92147345-G-A.
Other names: c.484C>T, p.Pro162Ser (NM_001282677.2); c.-141C>T (NM_001282678.2); short protein forms P162S.
Identifiers: ClinVar variation 1205410 (VCV001205410.4), dbSNP rs2116247732, ClinGen allele CA368201814.
Genomic context (GRCh38, chr7:92,518,031, plus strand): 5'-GTGTCTTTGGCTGAATAAGGAGTTTGGTGTCAGTTTCCAGCCTTCCATAAGAGGCAGCTG[G>A]TATTAGTGCAACTGTGTAGAAAATAAAGCTCATTAGTGCACATTCATTTCTACTTTGGAC-3'
Protein context (NP_000457.1, residues 152-172): YIFIQIVALI[Pro162Ser]AASYGRLETD